The following is an entry in ClinVar:

NM_023036.6(DNAI2):c.534_535insAGATGTGTATAAGA (p.Ala179delinsArgCysValTer)

Gene: DNAI2 (dynein axonemal intermediate chain 2; plus strand). Cytogenetic location: 17q25.1.
Variant type: Insertion.
Coding change: c.534_535insAGATGTGTATAAGA on transcript NM_023036.6 (MANE Select); coding-DNA positions 534 to 535, AGATGTGTATAAGA inserted.
Protein change: p.Ala179delinsArgCysValTer.
Molecular consequence: nonsense. On other transcripts: non-coding transcript variant (1).
Genome position: GRCh38 VCF-style: chr17-74289660-G-GAGATGTGTATAAGA. GRCh37 (hg19) VCF-style: chr17-72285799-G-GAGATGTGTATAAGA.
Other names: c.534_535insAGATGTGTATAAGA, p.Ala179delinsArgCysValTer (NM_001172810.3, NM_001353167.2).
Identifiers: ClinVar variation 5010733 (VCV005010733.1).
Genomic context (GRCh38, chr17:74,289,660, plus strand): 5'-CCAGGAAATCAAGAGGGCTGCCACACACCTCTCCTGGCACCCCGATGGCAACAGGAAGTT[G>GAGATGTGTATAAGA]GCAGTGGCATACTCCTGCTTGGATTTTCAGCGGGCACCTGTGGGCATGAGCAGCGATTCA-3'

ClinVar aggregate classification (germline): Pathogenic (1 of 4 stars; one submission).

Conditions:
Primary ciliary dyskinesia 9. Also called: CILIARY DYSKINESIA, PRIMARY, 9, WITH OR WITHOUT SITUS INVERSUS. Identifiers: Orphanet 244, MedGen C2676235, MONDO:0012906, OMIM 612444.

Submission:

Myriad Genetics, Inc.
Classification: Pathogenic for Primary ciliary dyskinesia 9. Last evaluated: 2024-05-14. Review status: criteria provided, single submitter. Criteria: Myriad Autosomal Dominant, Autosomal Recessive and X-Linked Classification Criteria (2023). Collection method: clinical testing. Allele origin: unknown.
Comment: NM_023036.4(DNAI2):c.534_535ins14(A179Rfs*4) is expected to be pathogenic in the context of primary ciliary dyskinesia, DNAI2-related. This variant is predicted to lead to an abnormal or absent protein product due to the creation of a premature termination codon in DNAI2, a gene where loss-of-function variants are known to be pathogenic. Please note: this variant was assessed in the context of healthy population screening.